The following is an entry in ClinVar:

ClinVar aggregate classification (germline): Uncertain significance (1 of 4 stars; one submission).

Submission:

Labcorp Genetics (formerly Invitae), Labcorp
Classification: Uncertain significance. Last evaluated: 2022-09-06. Review status: criteria provided, single submitter. Criteria: Invitae Variant Classification Sherloc (09022015). Collection method: clinical testing. Allele origin: germline.
Comment: This sequence change replaces leucine, which is neutral and non-polar, with proline, which is neutral and non-polar, at codon 643 of the MTTP protein (p.Leu643Pro). This variant is not present in population databases (gnomAD no frequency). In summary, the available evidence is currently insufficient to determine the role of this variant in disease. Therefore, it has been classified as a Variant of Uncertain Significance. Algorithms developed to predict the effect of missense changes on protein structure and function (SIFT, PolyPhen-2, Align-GVGD) all suggest that this variant is likely to be disruptive. This variant has not been reported in the literature in individuals affected with MTTP-related conditions.

NM_001386140.1(MTTP):c.1928T>C (p.Leu643Pro)

Gene: MTTP (microsomal triglyceride transfer protein; plus strand). Cytogenetic location: 4q23.
Variant type: single nucleotide variant.
Coding change: c.1928T>C on transcript NM_001386140.1 (MANE Select); coding-DNA position 1928, T replaced by C.
Protein change: p.Leu643Pro; replaces leucine 643 with proline.
Molecular consequence: missense variant.
Genome position (GRCh38, 1-based): chr4:99,611,392, T>C. VCF-style: chr4-99611392-T-C. GRCh37 (hg19) VCF-style: chr4-100532549-T-C.
Other names: c.1928T>C, p.Leu643Pro (NM_000253.4); c.1679T>C, p.Leu560Pro (NM_001300785.2); short protein forms L560P, L643P.
Identifiers: ClinVar variation 2126392 (VCV002126392.4), dbSNP rs2476145895, ClinGen allele CA357515966.